The following is an entry in ClinVar:

NM_001005361.3(DNM2):c.1196+681A>C

Gene: DNM2 (dynamin 2; plus strand). Cytogenetic location: 19p13.2.
Variant type: single nucleotide variant.
Coding change: c.1196+681A>C on transcript NM_001005361.3 (MANE Select); 681 bases into the intron after coding-DNA position 1196, A replaced by C.
Molecular consequence: intron variant. On other transcripts: missense variant (3).
Genome position (GRCh38, 1-based): chr19:10,796,120, A>C. VCF-style: chr19-10796120-A-C. GRCh37 (hg19) VCF-style: chr19-10906796-A-C.
Other names: c.1256A>C, p.Lys419Thr (NM_001005360.3, NM_001190716.2, NM_004945.4); c.1196+681A>C (NM_001005362.3); short protein forms K419T.
Identifiers: ClinVar variation 1512826 (VCV001512826.6), dbSNP rs931176769, ClinGen allele CA305281606.

ClinVar aggregate classification (germline): Uncertain significance (1 of 4 stars; one submission).

Conditions:
Charcot-Marie-Tooth disease dominant intermediate B (CMTDIB). Also called: CHARCOT-MARIE-TOOTH NEUROPATHY, DOMINANT INTERMEDIATE B; Charcot-Marie-Tooth disease dominant intermediate 1; CMT DI1; Charcot-Marie-Tooth disease dominant intermediate I. Identifiers: Orphanet 100044, Orphanet 228179, MedGen C1847902, MONDO:0011674, OMIM 606482.

Allele frequency attached by ClinVar (database versions not stated): gnomAD exomes below 0.00001.
gnomAD v4.1: 1 of 1,614,186 alleles (0.000062%); highest among the groups gnomAD compares: Non-Finnish European, 0.000085%; no homozygotes.

Submission:

Labcorp Genetics (formerly Invitae), Labcorp
Classification: Uncertain significance for Charcot-Marie-Tooth disease dominant intermediate B. Last evaluated: 2021-12-02. Review status: criteria provided, single submitter. Criteria: Invitae Variant Classification Sherloc (09022015). Collection method: clinical testing. Allele origin: germline.
Comment: In summary, the available evidence is currently insufficient to determine the role of this variant in disease. Therefore, it has been classified as a Variant of Uncertain Significance. Algorithms developed to predict the effect of missense changes on protein structure and function are either unavailable or do not agree on the potential impact of this missense change (SIFT: "Tolerated"; PolyPhen-2: "Probably Damaging"; Align-GVGD: "Class C0"). This variant has not been reported in the literature in individuals affected with DNM2-related conditions. This variant is present in population databases (no rsID available, gnomAD 0.0009%). This sequence change replaces lysine, which is basic and polar, with threonine, which is neutral and polar, at codon 419 of the DNM2 protein (p.Lys419Thr).